The following is an entry in ClinVar:

NM_000719.7(CACNA1C):c.3556C>G (p.Gln1186Glu)

Gene: CACNA1C (calcium voltage-gated channel subunit alpha1 C; plus strand). Cytogenetic location: 12p13.33.
Variant type: single nucleotide variant.
Coding change: c.3556C>G on transcript NM_000719.7 (MANE Select); coding-DNA position 3556, C replaced by G.
Protein change: p.Gln1186Glu; replaces glutamine 1186 with glutamic acid.
Molecular consequence: missense variant.
Genome position (GRCh38, 1-based): chr12:2,608,710, C>G. VCF-style: chr12-2608710-C-G. GRCh37 (hg19) VCF-style: chr12-2717876-C-G.
Other names: c.3616C>G, p.Gln1206Glu (NM_001129827.2, NM_001129832.2, NM_199460.4); c.3556C>G, p.Gln1186Glu (NM_001129829.2, NM_001129830.3, NM_001129831.2 and 15 more transcripts); c.3547C>G, p.Gln1183Glu (NM_001129844.2); short protein forms Q1183E, Q1186E, Q1206E.
Identifiers: ClinVar variation 1416859 (VCV001416859.8), dbSNP rs890686445, ClinGen allele CA231605645.

ClinVar aggregate classification (germline): Uncertain significance. Review status: criteria provided, multiple submitters, no conflicts (2 of 4 stars). 2 submissions from 2 submitters: Uncertain significance (2). Last evaluated 2024-11-30.

Conditions:
Cardiovascular phenotype. Identifiers: MedGen CN230736.
Long QT syndrome (LQTS). Identifiers: MedGen C0023976, MeSH D008133, MONDO:0002442. Disease mechanism: loss of function. Inheritance: Various modes of inheritance.

Allele frequency attached by ClinVar (database versions not stated): gnomAD exomes below 0.00001; gnomAD 0.00001; TOPMed 0.00002.
gnomAD v4.1: 4 of 1,613,760 alleles (0.00025%); highest among the groups gnomAD compares: Non-Finnish European, 0.00017%; no homozygotes.

Submissions (2):

Labcorp Genetics (formerly Invitae), Labcorp
Classification: Uncertain significance for Long QT syndrome. Last evaluated: 2024-11-30. Review status: criteria provided, single submitter. Criteria: Invitae Variant Classification Sherloc (09022015). Collection method: clinical testing. Allele origin: germline.
Comment: This sequence change replaces glutamine, which is neutral and polar, with glutamic acid, which is acidic and polar, at codon 1186 of the CACNA1C protein (p.Gln1186Glu). This variant is present in population databases (no rsID available, gnomAD 0.0009%). This variant has not been reported in the literature in individuals affected with CACNA1C-related conditions. ClinVar contains an entry for this variant (Variation ID: 1416859). An algorithm developed to predict the effect of missense changes on protein structure and function (PolyPhen-2) suggests that this variant is likely to be disruptive. In summary, the available evidence is currently insufficient to determine the role of this variant in disease. Therefore, it has been classified as a Variant of Uncertain Significance.

Ambry Genetics
Classification: Uncertain significance for Cardiovascular phenotype. Last evaluated: 2020-07-08. Review status: criteria provided, single submitter. Criteria: Ambry Variant Classification Scheme 2023. Collection method: clinical testing. Allele origin: germline.
Comment: The p.Q1186E variant (also known as c.3556C>G), located in coding exon 27 of the CACNA1C gene, results from a C to G substitution at nucleotide position 3556. The glutamine at codon 1186 is replaced by glutamic acid, an amino acid with highly similar properties. This amino acid position is highly conserved in available vertebrate species. In addition, this alteration is predicted to be deleterious by in silico analysis. Since supporting evidence is limited at this time, the clinical significance of this alteration remains unclear.